The following is an entry in ClinVar:

NM_003611.3(OFD1):c.1277T>C (p.Met426Thr)

Gene: OFD1 (OFD1 centriole and centriolar satellite protein; plus strand). Cytogenetic location: Xp22.2.
Variant type: single nucleotide variant.
Coding change: c.1277T>C on transcript NM_003611.3 (MANE Select); coding-DNA position 1277, T replaced by C.
Protein change: p.Met426Thr; replaces methionine 426 with threonine.
Molecular consequence: missense variant.
Genome position (GRCh38, 1-based): chrX:13,756,633, T>C. VCF-style: chrX-13756633-T-C. GRCh37 (hg19) VCF-style: chrX-13774752-T-C.
Other names: c.1157T>C, p.Met386Thr (NM_001330209.2); c.857T>C, p.Met286Thr (NM_001330210.2); short protein forms M286T, M386T, M426T.
Identifiers: ClinVar variation 648352 (VCV000648352.1), dbSNP rs1602883262, ClinGen allele CA412342607.

ClinVar aggregate classification (germline): Uncertain significance (1 of 4 stars; one submission).

Conditions:
Orofaciodigital syndrome I (OFD1). Also called: Papillon-Leage and Psaume Syndrome; Oral-Facial-Digital Syndrome Type I; OFDS I. Identifiers: Orphanet 2750, MedGen C1510460, MONDO:0010702, OMIM 311200.
Joubert syndrome. Also called: Familial aplasia of the vermis; CEREBELLOPARENCHYMAL DISORDER IV; JOUBERT-BOLTSHAUSER SYNDROME. Identifiers: Orphanet 475, MedGen C5979921, MONDO:0018772.

Allele frequency attached by ClinVar (database versions not stated): TOPMed below 0.00001.

Submission:

Labcorp Genetics (formerly Invitae), Labcorp
Classification: Uncertain significance for Oral-facial-digital syndrome; Joubert syndrome. Last evaluated: 2018-11-07. Review status: criteria provided, single submitter. Criteria: Invitae Variant Classification Sherloc (09022015). Collection method: clinical testing. Allele origin: germline.
Comment: This sequence change replaces methionine with threonine at codon 426 of the OFD1 protein (p.Met426Thr). The methionine residue is weakly conserved and there is a moderate physicochemical difference between methionine and threonine. This variant is not present in population databases (ExAC no frequency). This variant has not been reported in the literature in individuals with OFD1-related disease. Algorithms developed to predict the effect of missense changes on protein structure and function are either unavailable or do not agree on the potential impact of this missense change (SIFT: "Deleterious"; PolyPhen-2: "Benign"; Align-GVGD: "Class C0"). In summary, the available evidence is currently insufficient to determine the role of this variant in disease. Therefore, it has been classified as a Variant of Uncertain Significance.